The following is an entry in ClinVar:

NM_001378609.3(OTOGL):c.1934A>G (p.Asn645Ser)

Gene: OTOGL (otogelin like; plus strand). Cytogenetic location: 12q21.31.
Variant type: single nucleotide variant.
Coding change: c.1934A>G on transcript NM_001378609.3 (MANE Select); coding-DNA position 1934, A replaced by G.
Protein change: p.Asn645Ser; replaces asparagine 645 with serine.
Molecular consequence: missense variant.
Genome position (GRCh38, 1-based): chr12:80,262,013, A>G. VCF-style: chr12-80262013-A-G. GRCh37 (hg19) VCF-style: chr12-80655793-A-G.
Other names: c.1934A>G, p.Asn645Ser (NM_001368062.3, NM_001378610.3, NM_173591.7); short protein forms N645S.
Identifiers: ClinVar variation 3363727 (VCV003363727.2).
Genomic context (GRCh38, chr12:80,262,013, plus strand): 5'-TGTCTTTGCTTTCTAGTTCTCCATCAGGCATGATAGAAGGTACACCACAACTTCACGCAA[A>G]TGCGTGGAGAGTTTCTTCTACCTGTTTTGCACCTGTTCATGTCCCAGTGGTGGACCCCTG-3'
Protein context (NP_001365538.2, residues 635-655): MIEGTPQLHA[Asn645Ser]AWRVSSTCFA

ClinVar aggregate classification (germline): Uncertain significance. Review status: criteria provided, multiple submitters, no conflicts (2 of 4 stars). 2 submissions from 2 submitters: Uncertain significance (2). Last evaluated 2025-08-31.

Conditions:
Inborn genetic diseases. Identifiers: MedGen C0950123, MeSH D030342.

gnomAD v4.1: 2 of 1,612,744 alleles (0.00012%); highest among the groups gnomAD compares: African/African-American, 0.0027%; no homozygotes.

Submissions (2):

Ambry Genetics
Classification: Uncertain significance for Inborn genetic diseases. Last evaluated: 2025-08-31. Review status: criteria provided, single submitter. Criteria: Ambry Variant Classification Scheme 2023. Collection method: clinical testing. Allele origin: germline.

GeneDx
Classification: Uncertain significance. Last evaluated: 2023-11-02. Review status: criteria provided, single submitter. Criteria: GeneDx Variant Classification Process June 2021. Collection method: clinical testing. Allele origin: germline. Affected: yes.
Comment: Not observed at significant frequency in large population cohorts (gnomAD); In silico analysis supports that this missense variant has a deleterious effect on protein structure/function; Has not been previously published as pathogenic or benign to our knowledge